The following is an entry in ClinVar:

ClinVar aggregate classification (germline): Uncertain significance (1 of 4 stars; one submission).

Conditions:
Exostoses, multiple, type 2 (EXT2). Also called: Hereditary Multiple Osteochondromatosis, Type II; EXOSTOSES, MULTIPLE, TYPE II. Identifiers: Orphanet 321, MedGen C1851413, MONDO:0007586, OMIM 133701.

Allele frequency attached by ClinVar (database versions not stated): TOPMed below 0.00001; gnomAD exomes 0.00002.
gnomAD v4.1: 25 of 1,614,222 alleles (0.0015%); highest among the groups gnomAD compares: Non-Finnish European, 0.0019%; no homozygotes.

Submission:

Labcorp Genetics (formerly Invitae), Labcorp
Classification: Uncertain significance for Exostoses, multiple, type 2. Last evaluated: 2021-12-31. Review status: criteria provided, single submitter. Criteria: Invitae Variant Classification Sherloc (09022015). Collection method: clinical testing. Allele origin: germline.
Comment: In summary, the available evidence is currently insufficient to determine the role of this variant in disease. Therefore, it has been classified as a Variant of Uncertain Significance. Algorithms developed to predict the effect of missense changes on protein structure and function are either unavailable or do not agree on the potential impact of this missense change (SIFT: "Deleterious"; PolyPhen-2: "Benign"; Align-GVGD: "Class C0"). ClinVar contains an entry for this variant (Variation ID: 1019036). This variant has not been reported in the literature in individuals affected with EXT2-related conditions. This variant is not present in population databases (gnomAD no frequency). This sequence change replaces proline, which is neutral and non-polar, with threonine, which is neutral and polar, at codon 76 of the EXT2 protein (p.Pro76Thr).

NM_207122.2(EXT2):c.226C>A (p.Pro76Thr)

Gene: EXT2 (exostosin glycosyltransferase 2; plus strand). Cytogenetic location: 11p11.2.
Variant type: single nucleotide variant.
Coding change: c.226C>A on transcript NM_207122.2 (MANE Select); coding-DNA position 226, C replaced by A.
Protein change: p.Pro76Thr; replaces proline 76 with threonine.
Molecular consequence: missense variant.
Genome position (GRCh38, 1-based): chr11:44,107,938, C>A. VCF-style: chr11-44107938-C-A. GRCh37 (hg19) VCF-style: chr11-44129488-C-A.
Other names: c.325C>A, p.Pro109Thr (NM_000401.3); c.226C>A, p.Pro76Thr (NM_001178083.3); short protein forms P109T, P76T.
Identifiers: ClinVar variation 1019036 (VCV001019036.9), dbSNP rs999897934, ClinGen allele CA221452951.